The following is an entry in ClinVar:

NM_000051.4(ATM):c.6453-13T>C

Genes: C11orf65 (chromosome 11 open reading frame 65; minus strand), ATM (ATM serine/threonine kinase; plus strand). Cytogenetic location: 11q22.3.
Variant type: single nucleotide variant.
Coding change: c.6453-13T>C on transcript NM_000051.4 (MANE Select); 13 bases into the intron before coding-DNA position 6453, T replaced by C.
Molecular consequence: intron variant.
Genome position (GRCh38, 1-based): chr11:108,321,288, T>C. VCF-style: chr11-108321288-T-C. GRCh37 (hg19) VCF-style: chr11-108192015-T-C.
Other names: c.6453-13T>C (NM_001351834.2); c.641-12217A>G (NM_001330368.2); c.*39-12217A>G (NM_001351110.2).
Identifiers: ClinVar variation 490658 (VCV000490658.12), dbSNP rs1555117056, ClinGen allele CA658683721.

ClinVar aggregate classification (germline): Likely benign. Review status: criteria provided, multiple submitters, no conflicts (2 of 4 stars). 3 submissions from 3 submitters: Likely benign (3). Last evaluated 2025-11-21.

Conditions:
Hereditary cancer-predisposing syndrome. Also called: Neoplastic Syndromes, Hereditary; Hereditary Cancer Syndrome; Tumor predisposition; Hereditary neoplastic syndrome. Identifiers: Orphanet 140162, MedGen C0027672, MeSH D009386, MONDO:0015356.
Ataxia-telangiectasia syndrome (AT). Also called: LOUIS-BAR SYNDROME; Cerebello-oculocutaneous telangiectasia; Immunodeficiency with ataxia telangiectasia; Ataxia-telangiectasia, complementation group D; AT, COMPLEMENTATION GROUP C; Ataxia-telangiectasia, complementation group E. Identifiers: Orphanet 100, MedGen C0004135, MONDO:0008840, OMIM 208900.
Familial cancer of breast. Also called: Hereditary breast cancer; BREAST CANCER, FAMILIAL; hereditary breast carcinoma. Identifiers: Orphanet 227535, MedGen C0346153, MONDO:0016419, OMIM 114480. Disease mechanism: loss of function.

gnomAD v4.1: 1 of 1,614,072 alleles (0.000062%); no homozygotes.

Submissions (3):

Labcorp Genetics (formerly Invitae), Labcorp
Classification: Likely benign for Ataxia-telangiectasia syndrome. Last evaluated: 2025-11-21. Review status: criteria provided, single submitter. Criteria: Invitae Variant Classification Sherloc (09022015). Collection method: clinical testing. Allele origin: germline.

Myriad Genetics, Inc.
Classification: Likely benign for Familial cancer of breast. Last evaluated: 2024-06-06. Review status: criteria provided, single submitter. Criteria: Myriad Autosomal Dominant, Autosomal Recessive and X-Linked Classification Criteria (2023). Collection method: clinical testing. Allele origin: unknown.
Comment: This variant is considered likely benign. This variant is intronic and is not expected to impact mRNA splicing.

Color Diagnostics, LLC DBA Color Health
Classification: Likely benign for Hereditary cancer-predisposing syndrome. Last evaluated: 2017-02-21. Review status: criteria provided, single submitter. Criteria: ACMG Guidelines, 2015. Collection method: clinical testing. Allele origin: germline.